The following is an entry in ClinVar:

NM_001039141.3(TRIOBP):c.5886A>G (p.Pro1962=)

Gene: TRIOBP (TRIO and F-actin binding protein; plus strand). Cytogenetic location: 22q13.1.
Variant type: single nucleotide variant.
Coding change: c.5886A>G on transcript NM_001039141.3 (MANE Select); coding-DNA position 5886, A replaced by G.
Protein change: p.Pro1962=; no amino-acid change (proline 1962 retained).
Molecular consequence: synonymous variant.
Genome position (GRCh38, 1-based): chr22:37,757,811, A>G. VCF-style: chr22-37757811-A-G. GRCh37 (hg19) VCF-style: chr22-38153818-A-G.
Other names: c.747A>G, p.Pro249= (NM_007032.5, NM_138632.2).
Identifiers: ClinVar variation 165601 (VCV000165601.24), dbSNP rs372220018, ClinGen allele CA178343.

ClinVar aggregate classification (germline): Benign/Likely benign. Review status: criteria provided, multiple submitters, no conflicts (2 of 4 stars). 5 submissions from 5 submitters: Benign (1); Likely benign (4). Last evaluated 2026-09-01.

Allele frequency attached by ClinVar (database versions not stated): gnomAD exomes 0.00014 and 0.00028; ExAC 0.00061; ESP Exome Variant Server 0.00066; gnomAD 0.00164 and 0.00171; TOPMed 0.00175; 1000 Genomes Project 30x 0.00312; 1000 Genomes Project 0.00319.
gnomAD v4.1: 457 of 1,548,100 alleles (0.03%); highest among the groups gnomAD compares: African/African-American, 0.55%; 1 homozygote.

Submissions (5):

CeGaT Center for Human Genetics Tuebingen
Classification: Likely benign. Last evaluated: 2026-09-01. Review status: criteria provided, single submitter. Criteria: CeGaT Center For Human Genetics Tuebingen Variant Classification Criteria Version 2. Collection method: clinical testing. Allele origin: germline. Affected: yes. Observed: 2 variant alleles.
Comment: TRIOBP: BP4, BP7

Labcorp Genetics (formerly Invitae), Labcorp
Classification: Benign. Last evaluated: 2025-07-29. Review status: criteria provided, single submitter. Criteria: Invitae Variant Classification Sherloc (09022015). Collection method: clinical testing. Allele origin: germline.

Blueprint Genetics
Classification: Likely benign. Last evaluated: 2024-07-04. Review status: criteria provided, single submitter. Criteria: ACMG Guidelines, 2015. Collection method: clinical testing. Allele origin: germline.

GeneDx
Classification: Likely benign. Last evaluated: 2020-12-16. Review status: criteria provided, single submitter. Criteria: GeneDx Variant Classification Process June 2021. Collection method: clinical testing. Allele origin: germline. Affected: yes.

Laboratory for Molecular Medicine, Mass General Brigham Personalized Medicine
Classification: Likely benign. Last evaluated: 2012-04-30. Review status: criteria provided, single submitter. Criteria: LMM Criteria. Collection method: clinical testing. Allele origin: germline. Observed: 3 variant alleles.
Comment: Pro1962Pro in Exon 16 of TRIOBP: This variant is not expected to have clinical s ignificance because it does not alter an amino acid residue, is not located with in the splice consensus sequence, and has been identified in 0.2% (6/3446) of Af rican American chromosomes from a broad population by the NHLBI Exome Sequencing Project.